The following is an entry in ClinVar:

ClinVar aggregate classification (germline): Uncertain significance (1 of 4 stars; one submission).

Allele frequency attached by ClinVar (database versions not stated): gnomAD 0.00001; TOPMed 0.00001.
gnomAD v4.1: 1 of 1,613,224 alleles (0.000062%); highest among the groups gnomAD compares: Non-Finnish European, 0.000085%; no homozygotes.

Submission:

Labcorp Genetics (formerly Invitae), Labcorp
Classification: Uncertain significance. Last evaluated: 2024-04-29. Review status: criteria provided, single submitter. Criteria: Invitae Variant Classification Sherloc (09022015). Collection method: clinical testing. Allele origin: germline.
Comment: This sequence change replaces histidine, which is basic and polar, with tyrosine, which is neutral and polar, at codon 339 of the CAD protein (p.His339Tyr). This variant is not present in population databases (gnomAD no frequency). This variant has not been reported in the literature in individuals affected with CAD-related conditions. ClinVar contains an entry for this variant (Variation ID: 1912030). Advanced modeling of protein sequence and biophysical properties (such as structural, functional, and spatial information, amino acid conservation, physicochemical variation, residue mobility, and thermodynamic stability) has been performed at Invitae for this missense variant, however the output from this modeling did not meet the statistical confidence thresholds required to predict the impact of this variant on CAD protein function. In summary, the available evidence is currently insufficient to determine the role of this variant in disease. Therefore, it has been classified as a Variant of Uncertain Significance.

NM_004341.5(CAD):c.1015C>T (p.His339Tyr)

Gene: CAD (carbamoyl-phosphate synthetase 2, aspartate transcarbamylase, and dihydroorotase; plus strand). Cytogenetic location: 2p23.3.
Variant type: single nucleotide variant.
Coding change: c.1015C>T on transcript NM_004341.5 (MANE Select); coding-DNA position 1015, C replaced by T.
Protein change: p.His339Tyr; replaces histidine 339 with tyrosine.
Molecular consequence: missense variant.
Genome position (GRCh38, 1-based): chr2:27,223,936, C>T. VCF-style: chr2-27223936-C-T. GRCh37 (hg19) VCF-style: chr2-27446804-C-T.
Other names: c.1015C>T, p.His339Tyr (NM_001306079.2); short protein forms H339Y.
Identifiers: ClinVar variation 1912030 (VCV001912030.5), dbSNP rs1463593150, ClinGen allele CA346202615.
Genomic context (GRCh38, chr2:27,223,936, plus strand): 5'-CAGGGACCATGATGGTTTTCATGATGCAATCTCTTCAATAGTGTCCAGTTTCACCCAGAG[C>T]ACCAAGCTGGCCCTTCAGATATGGAACTGCTTTTCGATATCTTTCTGGAAACTGTGAAAG-3'
Protein context (NP_004332.2, residues 329-349): PFFSVQFHPE[His339Tyr]QAGPSDMELL